The following is an entry in ClinVar:

NM_002691.4(POLD1):c.723C>A (p.Phe241Leu)

Gene: POLD1 (DNA polymerase delta 1, catalytic subunit; plus strand). Cytogenetic location: 19q13.33.
Variant type: single nucleotide variant.
Coding change: c.723C>A on transcript NM_002691.4 (MANE Select); coding-DNA position 723, C replaced by A.
Protein change: p.Phe241Leu; replaces phenylalanine 241 with leucine.
Molecular consequence: missense variant. On other transcripts: non-coding transcript variant (1).
Genome position (GRCh38, 1-based): chr19:50,402,338, C>A. VCF-style: chr19-50402338-C-A. GRCh37 (hg19) VCF-style: chr19-50905595-C-A.
Other names: c.723C>A, p.Phe241Leu (NM_001256849.1, NM_001308632.1); short protein forms F241L.
Identifiers: ClinVar variation 1757846 (VCV001757846.6), dbSNP rs764364345, ClinGen allele CA406974516.
Genomic context (GRCh38, chr19:50,402,338, plus strand): 5'-CCCGGCCCGCCGTCTCCTGGAACAGGGCATCCGTGTGGCAGGCCTGGGCACGCCCAGCTT[C>A]GCGCCCTACGAGGCCAACGTCGACTTTGAGATCCGGTACGGCCTCTGCCTCACTTCTCCG-3'
Protein context (NP_002682.2, residues 231-251): IRVAGLGTPS[Phe241Leu]APYEANVDFE

ClinVar aggregate classification (germline): Conflicting classifications of pathogenicity. Review status: criteria provided, conflicting classifications (1 of 4 stars). 2 submissions from 2 submitters: Uncertain significance (1); Likely benign (1). Last evaluated 2025-01-23.

Conditions:
Hereditary cancer-predisposing syndrome. Also called: Neoplastic Syndromes, Hereditary; Tumor predisposition; Hereditary neoplastic syndrome; Hereditary Cancer Syndrome. Identifiers: Orphanet 140162, MedGen C0027672, MeSH D009386, MONDO:0015356.
POLD1-related polyposis and colorectal cancer syndrome (CRCS10). Also called: COLORECTAL CANCER, SUSCEPTIBILITY TO, ON CHROMOSOME 19q; Colorectal cancer 10; Colorectal cancer, susceptibility to, 10. Identifiers: Orphanet 220460, MedGen C2675481, MONDO:0012953, OMIM 612591.

Submissions (2):

Ambry Genetics
Classification: Likely benign for Hereditary cancer-predisposing syndrome. Last evaluated: 2025-01-23. Review status: criteria provided, single submitter. Criteria: Ambry Variant Classification Scheme 2023. Collection method: clinical testing. Allele origin: germline.

Labcorp Genetics (formerly Invitae), Labcorp
Classification: Uncertain significance for POLD1-related polyposis and colorectal cancer syndrome. Last evaluated: 2022-12-03. Review status: criteria provided, single submitter. Criteria: Invitae Variant Classification Sherloc (09022015). Collection method: clinical testing. Allele origin: germline.
Comment: In summary, the available evidence is currently insufficient to determine the role of this variant in disease. Therefore, it has been classified as a Variant of Uncertain Significance. Advanced modeling of protein sequence and biophysical properties (such as structural, functional, and spatial information, amino acid conservation, physicochemical variation, residue mobility, and thermodynamic stability) performed at Invitae indicates that this missense variant is not expected to disrupt POLD1 protein function. This variant has not been reported in the literature in individuals affected with POLD1-related conditions. This variant is not present in population databases (gnomAD no frequency). This sequence change replaces phenylalanine, which is neutral and non-polar, with leucine, which is neutral and non-polar, at codon 241 of the POLD1 protein (p.Phe241Leu).